The following is an entry in ClinVar:

NM_001377142.1(PLCB4):c.1021T>A (p.Ser341Thr)

Gene: PLCB4 (phospholipase C beta 4; plus strand). Cytogenetic location: 20p12.2.
Variant type: single nucleotide variant.
Coding change: c.1021T>A on transcript NM_001377142.1 (MANE Select); coding-DNA position 1021, T replaced by A.
Protein change: p.Ser341Thr; replaces serine 341 with threonine.
Molecular consequence: missense variant.
Genome position (GRCh38, 1-based): chr20:9,384,368, T>A. VCF-style: chr20-9384368-T-A. GRCh37 (hg19) VCF-style: chr20-9365015-T-A.
Other names: c.1021T>A, p.Ser341Thr (NM_001377134.2, NM_001377135.1, NM_001377136.1 and 4 more transcripts); short protein forms S341T.
Identifiers: ClinVar variation 4886180 (VCV004886180.2).

ClinVar aggregate classification (germline): Uncertain significance (1 of 4 stars; one submission).

gnomAD v4.1: 4 of 1,614,076 alleles (0.00025%); highest among the groups gnomAD compares: Admixed American, 0.0033%; no homozygotes.

Submission:

Dasa
Classification: Uncertain significance. Last evaluated: 2024-08-16. Review status: criteria provided, single submitter. Criteria: DASA Assertion Criteria. Collection method: clinical testing. Allele origin: germline.
Comment: NM_001377142.1(PLCB4):c.1021T>A (p.Ser341Thr) is a missense variant that results in the substitution of serine with threonine. This variant is rare in population databases. Computational prediction algorithms are consistent with a deleterious effect. The currently available literature and clinical evidence are not sufficient to establish a definitive association between this variant and the reported condition. Therefore, this variant is classified as a variant of uncertain significance.